The following is an entry in ClinVar:

ClinVar aggregate classification (germline): Likely benign. Review status: criteria provided, multiple submitters, no conflicts (2 of 4 stars). 3 submissions from 3 submitters: Likely benign (2). 1 of the submissions does not count toward it. Last evaluated 2026-01-13.

Conditions:
Kleefstra syndrome 1 (KLEFS1). Identifiers: Orphanet 261494, MedGen C0795833, MONDO:0027407, OMIM 610253.
Inborn genetic diseases. Identifiers: MedGen C0950123, MeSH D030342.
EHMT1-related disorder. Also called: EHMT1-related condition.

Allele frequency attached by ClinVar (database versions not stated): gnomAD 0.00002 and 0.00001; 1000 Genomes Project 0.00020; 1000 Genomes Project 30x 0.00016; TOPMed 0.00005.
gnomAD v4.1: 32 of 1,612,052 alleles (0.002%); highest among the groups gnomAD compares: Admixed American, 0.03%; no homozygotes.

Submissions (3):

Labcorp Genetics (formerly Invitae), Labcorp
Classification: Likely benign for Kleefstra syndrome 1. Last evaluated: 2026-01-13. Review status: criteria provided, single submitter. Criteria: Invitae Variant Classification Sherloc (09022015). Collection method: clinical testing. Allele origin: germline.

Ambry Genetics
Classification: Likely benign for Inborn genetic diseases. Last evaluated: 2025-02-18. Review status: criteria provided, single submitter. Criteria: Ambry Variant Classification Scheme 2023. Collection method: clinical testing. Allele origin: germline.

PreventionGenetics, part of Exact Sciences
Classification: Likely benign for EHMT1-related condition. Last evaluated: 2021-11-19. Review status: no assertion criteria provided. Collection method: clinical testing. Allele origin: germline. Not counted in ClinVar's aggregate classification.
Comment: This variant is classified as likely benign based on ACMG/AMP sequence variant interpretation guidelines (Richards et al. 2015 PMID: 25741868, with internal and published modifications).

NM_024757.5(EHMT1):c.3358G>A (p.Val1120Ile)

Gene: EHMT1 (euchromatic histone lysine methyltransferase 1; plus strand). Cytogenetic location: 9q34.3.
Variant type: single nucleotide variant.
Coding change: c.3358G>A on transcript NM_024757.5 (MANE Select); coding-DNA position 3358, G replaced by A.
Protein change: p.Val1120Ile; replaces valine 1120 with isoleucine.
Molecular consequence: missense variant.
Genome position (GRCh38, 1-based): chr9:137,816,046, G>A. VCF-style: chr9-137816046-G-A. GRCh37 (hg19) VCF-style: chr9-140710498-G-A.
Other names: c.3337G>A, p.Val1113Ile (NM_001354263.2); short protein forms V1120I, V1113I.
Identifiers: ClinVar variation 833540 (VCV000833540.13), dbSNP rs564698985, ClinGen allele CA5375269.